The following is an entry in ClinVar:

ClinVar aggregate classification (germline): Uncertain significance (1 of 4 stars; one submission).

Submission:

Women's Health and Genetics/Laboratory Corporation of America, LabCorp
Classification: Uncertain significance. Last evaluated: 2022-02-23. Review status: criteria provided, single submitter. Criteria: LabCorp Variant Classification Summary - May 2015. Collection method: clinical testing. Allele origin: germline.
Comment: Variant summary: LAMB3 c.242G>C (p.Arg81Pro) results in a non-conservative amino acid change located in the Laminin, N-terminal domain (IPR008211) of the encoded protein sequence. Four of five in-silico tools predict a damaging effect of the variant on protein function. The variant was absent in 251454 control chromosomes (gnomAD). The available data on variant occurrences in the general population are insufficient to allow any conclusion about variant significance. To our knowledge, no occurrence of c.242G>C in individuals affected with Junctional Epidermolysis Bullosa and no experimental evidence demonstrating its impact on protein function have been reported. No clinical diagnostic laboratories have submitted clinical-significance assessments for this variant to ClinVar after 2014. Based on the evidence outlined above, the variant was classified as uncertain significance.

NM_000228.3(LAMB3):c.242G>C (p.Arg81Pro)

Gene: LAMB3 (laminin subunit beta 3; minus strand). Cytogenetic location: 1q32.2.
Variant type: single nucleotide variant.
Coding change: c.242G>C on transcript NM_000228.3 (MANE Select); coding-DNA position 242, G replaced by C.
Protein change: p.Arg81Pro; replaces arginine 81 with proline.
Molecular consequence: missense variant.
Genome position (GRCh38, 1-based): chr1:209,638,590, C>G on the plus strand (G>C on the coding strand, the complement: LAMB3 is on the minus strand). VCF-style: chr1-209638590-C-G. GRCh37 (hg19) VCF-style: chr1-209811935-C-G.
Other names: c.242G>C, p.Arg81Pro (NM_001017402.2, NM_001127641.1); short protein forms R81P.
Identifiers: ClinVar variation 1343452 (VCV001343452.1), dbSNP rs978039540, ClinGen allele CA344597776.
Genomic context (GRCh38, chr1:209,638,590, plus strand): 5'-TCACCATTCTGTGACTGCCACCAGCGCATGGGGCCGGAGGATGAAGCCACATTCTCTACT[C>G]GGTGACTGTAGTAGTTGTGAGGCTGCCTGGAGTCACACTTGCAGCATTTCATCTGCCACT-3'
Protein context (NP_000219.2, residues 71-91): SRQPHNYYSH[Arg81Pro]VENVASSSGP